The following is an entry in ClinVar:

NM_000152.5(GAA):c.1396G>C (p.Val466Leu)

Gene: GAA (alpha glucosidase; plus strand). Cytogenetic location: 17q25.3.
Variant type: single nucleotide variant.
Coding change: c.1396G>C on transcript NM_000152.5 (MANE Select); coding-DNA position 1396, G replaced by C.
Protein change: p.Val466Leu; replaces valine 466 with leucine.
Molecular consequence: missense variant.
Genome position (GRCh38, 1-based): chr17:80,110,014, G>C. VCF-style: chr17-80110014-G-C. GRCh37 (hg19) VCF-style: chr17-78083813-G-C.
Other names: c.1396G>C (LRG_673t1); c.1396G>C, p.Val466Leu (NM_001079803.3, NM_001079804.3); short protein forms V466L.
Identifiers: ClinVar variation 526545 (VCV000526545.10), dbSNP rs375006053, ClinGen allele CA401366508.
Genomic context (GRCh38, chr17:80,110,014, plus strand): 5'-ATCAGCAGCTCGGGCCCTGCCGGGAGCTACAGGCCCTACGACGAGGGTCTGCGGAGGGGG[G>C]TTTTCATCACCAACGAGACCGGCCAGCCGCTGATTGGGAAGGTAGGGCGAGGGTCCAGGG-3'
Protein context (NP_000143.2, residues 456-476): RPYDEGLRRG[Val466Leu]FITNETGQPL

ClinVar aggregate classification (germline): Uncertain significance. Review status: criteria provided, multiple submitters, no conflicts (2 of 4 stars). 2 submissions from 2 submitters: Uncertain significance (2). Last evaluated 2024-05-28.

Conditions:
Glycogen storage disease, type II (IOPD). Also called: CARDIOMEGALIA GLYCOGENICA DIFFUSA; GLYCOGENOSIS, GENERALIZED, CARDIAC FORM; GSD II; POMPE DISEASE, INFANTILE-ONSET; GLYCOGEN STORAGE DISEASE II, INFANTILE-ONSET; ACID ALPHA-GLUCOSIDASE DEFICIENCY, INFANTILE-ONSET. Identifiers: Orphanet 365, MedGen C0017921, MONDO:0009290, OMIM 232300.

Submissions (2):

Revvity Omics, Revvity
Classification: Uncertain significance. Last evaluated: 2024-05-28. Review status: criteria provided, single submitter. Criteria: ACMG Guidelines, 2015. Collection method: clinical testing. Allele origin: germline.

Labcorp Genetics (formerly Invitae), Labcorp
Classification: Uncertain significance for Glycogen storage disease, type II. Last evaluated: 2017-09-03. Review status: criteria provided, single submitter. Criteria: Invitae Variant Classification Sherloc (09022015). Collection method: clinical testing. Allele origin: germline.
Comment: In summary, the available evidence is currently insufficient to determine the role of this variant in disease. Therefore, it has been classified as a Variant of Uncertain Significance. A different missense substitution at this codon (p.Val466Gly) has been determined to be pathogenic (PMID: 17056254, 1862843). This suggests that the valine residue is critical for GAA protein function and that other missense substitutions at this position may also be pathogenic. Algorithms developed to predict the effect of missense changes on protein structure and function do not agree on the potential impact of this missense change (SIFT: "Deleterious"; PolyPhen-2: "Benign"; Align-GVGD: "Class C25"). This variant has not been reported in the literature in individuals with GAA-related disease. This variant is not present in population databases (ExAC no frequency). This sequence change replaces valine with leucine at codon 466 of the GAA protein (p.Val466Leu). The valine residue is highly conserved and there is a small physicochemical difference between valine and leucine.

Literature cited by the submitters: PubMed 17056254 (cited by Labcorp Genetics (formerly Invitae), Labcorp); PubMed 1862843 (cited by Labcorp Genetics (formerly Invitae), Labcorp).